The following is an entry in ClinVar:

ClinVar aggregate classification (germline): Likely benign (1 of 4 stars; one submission).

Allele frequency attached by ClinVar (database versions not stated): TOPMed 0.00005; gnomAD exomes 0.00006; ExAC 0.00007; gnomAD 0.00007; ESP Exome Variant Server 0.00015.
gnomAD v4.1: 100 of 1,613,614 alleles (0.0062%); highest among the groups gnomAD compares: Non-Finnish European, 0.0081%; no homozygotes.

Submission:

CeGaT Center for Human Genetics Tuebingen
Classification: Likely benign. Last evaluated: 2022-05-01. Review status: criteria provided, single submitter. Criteria: CeGaT Center For Human Genetics Tuebingen Variant Classification Criteria Version 2. Collection method: clinical testing. Allele origin: germline. Affected: yes. Observed: 1 variant allele.
Comment: UBQLN4: BP4

NM_020131.5(UBQLN4):c.522C>T (p.Gly174=)

Gene: UBQLN4 (ubiquilin 4; minus strand). Cytogenetic location: 1q22.
Variant type: single nucleotide variant.
Coding change: c.522C>T on transcript NM_020131.5 (MANE Select); coding-DNA position 522, C replaced by T.
Protein change: p.Gly174=; no amino-acid change (glycine 174 retained).
Molecular consequence: synonymous variant.
Genome position (GRCh38, 1-based): chr1:156,050,510, G>A on the plus strand (C>T on the coding strand, the complement: UBQLN4 is on the minus strand). VCF-style: chr1-156050510-G-A. GRCh37 (hg19) VCF-style: chr1-156020301-G-A.
Other names: c.462C>T, p.Gly154= (NM_001304342.2).
Identifiers: ClinVar variation 2639446 (VCV002639446.24), dbSNP rs193167931, ClinGen allele CA1154154.